The following is an entry in ClinVar:

ClinVar aggregate classification (germline): Uncertain significance (1 of 4 stars; one submission).

Submission:

GeneDx
Classification: Uncertain significance. Last evaluated: 2020-01-10. Review status: criteria provided, single submitter. Criteria: GeneDx Variant Classification Process June 2021. Collection method: clinical testing. Allele origin: germline. Affected: yes.
Comment: Not observed in large population cohorts (Lek et al., 2016); In silico analysis, which includes protein predictors and evolutionary conservation, supports a deleterious effect; Has not been previously published as pathogenic or benign to our knowledge

NM_001080442.3(SLC38A8):c.1256G>T (p.Gly419Val)

Gene: SLC38A8 (solute carrier family 38 member 8; minus strand). Cytogenetic location: 16q23.3.
Variant type: single nucleotide variant.
Coding change: c.1256G>T on transcript NM_001080442.3 (MANE Select); coding-DNA position 1256, G replaced by T.
Protein change: p.Gly419Val; replaces glycine 419 with valine.
Molecular consequence: missense variant.
Genome position (GRCh38, 1-based): chr16:84,009,836, C>A on the plus strand (G>T on the coding strand, the complement: SLC38A8 is on the minus strand). VCF-style: chr16-84009836-C-A. GRCh37 (hg19) VCF-style: chr16-84043441-C-A.
Other names: short protein forms G419V.
Identifiers: ClinVar variation 1311856 (VCV001311856.2), dbSNP rs2084934040, ClinGen allele CA396929204.